The following is an entry in ClinVar:

NM_007194.4(CHEK2):c.858C>G (p.Ile286Met)

Gene: CHEK2 (checkpoint kinase 2; minus strand). Cytogenetic location: 22q12.1.
Variant type: single nucleotide variant.
Coding change: c.858C>G on transcript NM_007194.4 (MANE Select); coding-DNA position 858, C replaced by G.
Protein change: p.Ile286Met; replaces isoleucine 286 with methionine.
Molecular consequence: missense variant.
Genome position (GRCh38, 1-based): chr22:28,703,555, G>C on the plus strand (C>G on the coding strand, the complement: CHEK2 is on the minus strand). VCF-style: chr22-28703555-G-C. GRCh37 (hg19) VCF-style: chr22-29099543-G-C.
Other names: c.987C>G, p.Ile329Met (NM_001005735.3); c.195C>G, p.Ile65Met (NM_001257387.3); c.657C>G, p.Ile219Met (NM_001349956.3); c.858C>G, p.Ile286Met (NM_145862.3); short protein forms I286M, I219M, I329M, I65M.
Identifiers: ClinVar variation 3492176 (VCV003492176.1).

ClinVar aggregate classification (germline): Uncertain significance (1 of 4 stars; one submission).

Conditions:
Hereditary cancer-predisposing syndrome. Also called: Tumor predisposition; Neoplastic Syndromes, Hereditary; Hereditary Cancer Syndrome; Hereditary neoplastic syndrome. Identifiers: Orphanet 140162, MedGen C0027672, MeSH D009386, MONDO:0015356.

gnomAD v4.1: 1 of 1,559,322 alleles (0.000064%); highest among the groups gnomAD compares: South Asian, 0.0011%; no homozygotes.

Submission:

Ambry Genetics
Classification: Uncertain significance for Hereditary cancer-predisposing syndrome. Last evaluated: 2024-07-15. Review status: criteria provided, single submitter. Criteria: Ambry Variant Classification Scheme 2023. Collection method: clinical testing. Allele origin: germline.
Comment: The p.I286M variant (also known as c.858C>G), located in coding exon 7 of the CHEK2 gene, results from a C to G substitution at nucleotide position 858. The isoleucine at codon 286 is replaced by methionine, an amino acid with highly similar properties. This amino acid position is conserved. In addition, the in silico prediction for this alteration is inconclusive. Based on the available evidence, the clinical significance of this variant remains unclear.